The following is an entry in ClinVar:

NM_001852.4(COL9A2):c.491A>G (p.Gln164Arg)

Gene: COL9A2 (collagen type IX alpha 2 chain; minus strand). Cytogenetic location: 1p34.2.
Variant type: single nucleotide variant.
Coding change: c.491A>G on transcript NM_001852.4 (MANE Select); coding-DNA position 491, A replaced by G.
Protein change: p.Gln164Arg; replaces glutamine 164 with arginine.
Molecular consequence: missense variant.
Genome position (GRCh38, 1-based): chr1:40,311,528, T>C on the plus strand (A>G on the coding strand, the complement: COL9A2 is on the minus strand). VCF-style: chr1-40311528-T-C. GRCh37 (hg19) VCF-style: chr1-40777200-T-C.
Other names: short protein forms Q164R.
Identifiers: ClinVar variation 1990725 (VCV001990725.4), dbSNP rs1274773278, ClinGen allele CA339856070.
Genomic context (GRCh38, chr1:40,311,528, plus strand): 5'-GTGTTAGCCCCGCCCCAGACCTCGTCTCTCACCAGGAAATCCGCACTGCCTTCCAGACCC[T>C]GGATGGTTCCCGGGCGACCCTGAGAGGAGACATGAAGATGGAGCTTGGCCTGACCCTTTC-3'
Protein context (NP_001843.1, residues 154-174): PGKPGRPGTI[Gln164Arg]GLEGSADFLC

ClinVar aggregate classification (germline): Uncertain significance (1 of 4 stars; one submission).

Allele frequency attached by ClinVar (database versions not stated): gnomAD 0.00001; gnomAD exomes 0.00001.
gnomAD v4.1: 9 of 1,538,594 alleles (0.00058%); highest among the groups gnomAD compares: East Asian, 0.02%; no homozygotes.

Submission:

Labcorp Genetics (formerly Invitae), Labcorp
Classification: Uncertain significance. Last evaluated: 2025-07-20. Review status: criteria provided, single submitter. Criteria: Invitae Variant Classification Sherloc (09022015). Collection method: clinical testing. Allele origin: germline.
Comment: This sequence change replaces glutamine, which is neutral and polar, with arginine, which is basic and polar, at codon 164 of the COL9A2 protein (p.Gln164Arg). This variant is present in population databases (no rsID available, gnomAD 0.02%). This variant has not been reported in the literature in individuals affected with COL9A2-related conditions. ClinVar contains an entry for this variant (Variation ID: 1990725). Invitae Evidence Modeling of protein sequence and biophysical properties (such as structural, functional, and spatial information, amino acid conservation, physicochemical variation, residue mobility, and thermodynamic stability) indicates that this missense variant is not expected to disrupt COL9A2 protein function with a negative predictive value of 95%. In summary, the available evidence is currently insufficient to determine the role of this variant in disease. Therefore, it has been classified as a Variant of Uncertain Significance.